The following is an entry in ClinVar:

ClinVar aggregate classification (germline): Uncertain significance (1 of 4 stars; one submission).

Conditions:
Familial thoracic aortic aneurysm and aortic dissection (TAAD). Also called: Thoracic aortic aneurysms and dissections. Identifiers: Orphanet 91387, MedGen C4707243, MONDO:0019625.

Submission:

Color Diagnostics, LLC DBA Color Health
Classification: Uncertain significance for Familial thoracic aortic aneurysm and aortic dissection. Last evaluated: 2024-03-07. Review status: criteria provided, single submitter. Criteria: ACMG Guidelines, 2015. Collection method: clinical testing. Allele origin: germline.
Comment: This missense variant replaces glutamine with leucine at codon 208 of the TGFBR1 protein. Computational prediction is inconclusive regarding the impact of this variant on protein structure and function (internally defined REVEL score threshold 0.5 < inconclusive < 0.7, PMID: 27666373). To our knowledge, functional studies have not been reported for this variant. This variant has not been reported in individuals affected with cardiovascular disorders in the literature. This variant has not been identified in the general population by the Genome Aggregation Database (gnomAD). The available evidence is insufficient to determine the role of this variant in disease conclusively. Therefore, this variant is classified as a Variant of Uncertain Significance.

NM_004612.4(TGFBR1):c.623A>T (p.Gln208Leu)

Gene: TGFBR1 (transforming growth factor beta receptor 1; plus strand). Cytogenetic location: 9q22.33.
Variant type: single nucleotide variant.
Coding change: c.623A>T on transcript NM_004612.4 (MANE Select); coding-DNA position 623, A replaced by T.
Protein change: p.Gln208Leu; replaces glutamine 208 with leucine.
Molecular consequence: missense variant.
Genome position (GRCh38, 1-based): chr9:99,137,907, A>T. VCF-style: chr9-99137907-A-T. GRCh37 (hg19) VCF-style: chr9-101900189-A-T.
Other names: c.392A>T, p.Gln131Leu (NM_001130916.3); c.635A>T, p.Gln212Leu (NM_001306210.2); short protein forms Q212L, Q131L, Q208L.
Identifiers: ClinVar variation 921110 (VCV000921110.5), dbSNP rs1588585291, ClinGen allele CA374229465.